The following is an entry in ClinVar:

ClinVar aggregate classification (germline): Uncertain significance (1 of 4 stars; one submission).

Allele frequency attached by ClinVar (database versions not stated): gnomAD exomes below 0.00001.
gnomAD v4.1: 1 of 1,614,248 alleles (0.000062%); highest among the groups gnomAD compares: Non-Finnish European, 0.000085%; no homozygotes.

Submission:

GeneDx
Classification: Uncertain significance. Last evaluated: 2019-04-04. Review status: criteria provided, single submitter. Criteria: GeneDx Variant Classification Process June 2021. Collection method: clinical testing. Allele origin: germline. Affected: yes.
Comment: Not observed in large population cohorts (Lek et al., 2016); In silico analysis, which includes protein predictors and evolutionary conservation, supports that this variant does not alter protein structure/function; Has not been previously published as pathogenic or benign to our knowledge

NM_145207.3(AFG2A):c.45A>C (p.Glu15Asp)

Gene: AFG2A (AFG2 AAA ATPase homolog A; plus strand). Cytogenetic location: 4q28.1.
Variant type: single nucleotide variant.
Coding change: c.45A>C on transcript NM_145207.3 (MANE Select); coding-DNA position 45, A replaced by C.
Protein change: p.Glu15Asp; replaces glutamic acid 15 with aspartic acid.
Molecular consequence: missense variant.
Genome position (GRCh38, 1-based): chr4:122,923,187, A>C. VCF-style: chr4-122923187-A-C. GRCh37 (hg19) VCF-style: chr4-123844342-A-C.
Other names: c.45A>C, p.Glu15Asp (NM_001317799.2, NM_001345856.2); short protein forms E15D.
Identifiers: ClinVar variation 1302070 (VCV001302070.3), dbSNP rs2125713798, ClinGen allele CA358097043.